The following is an entry in ClinVar:

NM_000152.5(GAA):c.832del (p.Leu278fs)

Gene: GAA (alpha glucosidase; plus strand). Cytogenetic location: 17q25.3.
Variant type: Deletion.
Coding change: c.832del on transcript NM_000152.5 (MANE Select); coding-DNA position 832, one base deleted (C; older notation c.832delC).
Protein change: p.Leu278fs; shifts the reading frame from leucine 278.
Molecular consequence: frameshift variant.
Genome position (GRCh38, 1-based): chr17:80,107,696, C deleted; the last of 3 consecutive C bases (chr17:80,107,694-80,107,696); deleting any one gives the same sequence. VCF-style (leftmost placement, unchanged base first): chr17-80107693-AC-A. GRCh37 (hg19) VCF-style: chr17-78081492-AC-A.
Other names: c.832del, p.Leu278fs (NM_001079804.3, NM_001406741.1, NM_001406742.1 and 1 more transcripts); short protein forms L278fs.
Identifiers: ClinVar variation 4876574 (VCV004876574.1).

ClinVar aggregate classification (germline): Pathogenic (1 of 4 stars; one submission).

Conditions:
Glycogen storage disease, type II (IOPD). Also called: Pompe Disease; CARDIOMEGALIA GLYCOGENICA DIFFUSA; GLYCOGENOSIS, GENERALIZED, CARDIAC FORM; GSD II; POMPE DISEASE, INFANTILE-ONSET; GLYCOGEN STORAGE DISEASE II, INFANTILE-ONSET. Identifiers: Orphanet 365, MedGen C0017921, MONDO:0009290, OMIM 232300.

Submission:

Genomenon, Inc
Classification: Pathogenic for Glycogen storage disease, type II. Last evaluated: 2026-07-01. Review status: criteria provided, single submitter. Criteria: Genomenon Sequence Variant Interpretation Standards - Updated. Collection method: curation. Allele origin: germline. Affected: yes.
Comment: GAA p.Leu278CysfsTer36 (c.832del) is a frameshift variant that is predicted to introduce a premature termination codon and result in a truncated or absent protein product. This variant has been observed in at least one proband with a GAA-related disorder (PMID:29653542). It is absent or not present at a significant frequency in gnomAD. In conclusion, we classify GAA p.Leu278CysfsTer36 (c.832del) as a pathogenic variant.

Literature cited by the submitters: PubMed 29653542.